The following is an entry in ClinVar:

ClinVar aggregate classification (germline): Likely pathogenic. Review status: criteria provided, multiple submitters, no conflicts (2 of 4 stars). 2 submissions from 2 submitters: Likely pathogenic (2). Last evaluated 2024-02-14.

Conditions:
Rare genetic deafness. Identifiers: Orphanet 96210, MedGen C5680250.

Allele frequency attached by ClinVar (database versions not stated): gnomAD exomes below 0.00001 and 0.00001; TOPMed below 0.00001; gnomAD 0.00001.
gnomAD v4.1: 10 of 1,613,686 alleles (0.00062%); highest among the groups gnomAD compares: Non-Finnish European, 0.00085%; no homozygotes.

Submissions (2):

Labcorp Genetics (formerly Invitae), Labcorp
Classification: Likely pathogenic. Last evaluated: 2024-02-14. Review status: criteria provided, single submitter. Criteria: Invitae Variant Classification Sherloc (09022015). Collection method: clinical testing. Allele origin: germline.
Comment: This sequence change replaces arginine, which is basic and polar, with cysteine, which is neutral and slightly polar, at codon 2204 of the MYO15A protein (p.Arg2204Cys). This variant is present in population databases (rs727503312, gnomAD 0.0009%). This variant has not been reported in the literature in individuals affected with MYO15A-related conditions. ClinVar contains an entry for this variant (Variation ID: 164540). Advanced modeling of protein sequence and biophysical properties (such as structural, functional, and spatial information, amino acid conservation, physicochemical variation, residue mobility, and thermodynamic stability) performed at Invitae indicates that this missense variant is expected to disrupt MYO15A protein function with a positive predictive value of 95%. This variant disrupts the p.Arg2204 amino acid residue in MYO15A. Other variant(s) that disrupt this residue have been determined to be pathogenic (PMID: 35062939, 35346193). This suggests that this residue is clinically significant, and that variants that disrupt this residue are likely to be disease-causing. In summary, the currently available evidence indicates that the variant is pathogenic, but additional data are needed to prove that conclusively. Therefore, this variant has been classified as Likely Pathogenic.

Laboratory for Molecular Medicine, Mass General Brigham Personalized Medicine
Classification: Likely pathogenic for Rare genetic deafness. Last evaluated: 2017-10-31. Review status: criteria provided, single submitter. Criteria: LMM Criteria. Collection method: clinical testing. Allele origin: germline. Inheritance: Autosomal recessive inheritance. Observed: 3 variant alleles.
Comment: This variant has been identified in 1/111370 Eur opean chromosomes by the Genome Aggregation Database (gnomAD; dbSNP rs727503312). Although this variant has been seen in the general population, its frequency is low enough to be consistent with a recessiv e carrier frequency. Computational prediction tools and conservation analyses su ggest that this variant may impact the protein, though this information is not p redictive enough to determine pathogenicity. In summary, although additional stu dies are required to fully establish its clinical significance, this variant is likely pathogenic. ACMG/AMP Criteria applied: PP4, PP3, PM2, PM3 (Richards 2015) .

Literature cited by the submitters: PubMed 35062939 (cited by Labcorp Genetics (formerly Invitae), Labcorp); PubMed 35346193 (cited by Labcorp Genetics (formerly Invitae), Labcorp).

NM_016239.4(MYO15A):c.6610C>T (p.Arg2204Cys)

Gene: MYO15A (myosin XVA; plus strand). Cytogenetic location: 17p11.2.
Variant type: single nucleotide variant.
Coding change: c.6610C>T on transcript NM_016239.4 (MANE Select); coding-DNA position 6610, C replaced by T.
Protein change: p.Arg2204Cys; replaces arginine 2204 with cysteine.
Molecular consequence: missense variant.
Genome position (GRCh38, 1-based): chr17:18,148,129, C>T. VCF-style: chr17-18148129-C-T. GRCh37 (hg19) VCF-style: chr17-18051443-C-T.
Other names: short protein forms R2204C.
Identifiers: ClinVar variation 164540 (VCV000164540.7), dbSNP rs727503312, ClinGen allele CA177239.